The following is an entry in ClinVar:

ClinVar aggregate classification (germline): Uncertain significance (1 of 4 stars; one submission).

Submission:

Athena Diagnostics
Classification: Uncertain significance. Last evaluated: 2024-01-02. Review status: criteria provided, single submitter. Criteria: Athena Diagnostics Criteria. Collection method: clinical testing. Allele origin: unknown.
Comment: Available data are insufficient to determine the clinical significance of the variant at this time. This variant has not been reported in large, multi-ethnic general populations. Computational tools predict that this variant is damaging.

NM_001127222.2(CACNA1A):c.5114A>G (p.Tyr1705Cys)

Gene: CACNA1A (calcium voltage-gated channel subunit alpha1 A; minus strand). Cytogenetic location: 19p13.13.
Variant type: single nucleotide variant.
Coding change: c.5114A>G on transcript NM_001127222.2 (MANE Select); coding-DNA position 5114, A replaced by G.
Protein change: p.Tyr1705Cys; replaces tyrosine 1705 with cysteine.
Molecular consequence: missense variant.
Genome position (GRCh38, 1-based): chr19:13,235,228, T>C on the plus strand (A>G on the coding strand, the complement: CACNA1A is on the minus strand). VCF-style: chr19-13235228-T-C. GRCh37 (hg19) VCF-style: chr19-13346042-T-C.
Other names: c.5132A>G, p.Tyr1711Cys (NM_000068.4, NM_023035.3); c.5117A>G, p.Tyr1706Cys (NM_001127221.2); c.5123A>G, p.Tyr1708Cys (NM_001174080.2); short protein forms Y1708C, Y1711C, Y1705C, Y1706C.
Identifiers: ClinVar variation 3571766 (VCV003571766.1).